The following is an entry in ClinVar:

ClinVar aggregate classification (germline): Likely benign (0 of 4 stars; one submission).

Conditions:
ATP1A1-related disorder. Also called: ATP1A1-related condition.

gnomAD v4.1: 4 of 1,613,108 alleles (0.00025%); highest among the groups gnomAD compares: African/African-American, 0.0013%; no homozygotes.

Submission:

PreventionGenetics, part of Exact Sciences
Classification: Likely benign for ATP1A1-related condition. Last evaluated: 2024-05-02. Review status: no assertion criteria provided. Collection method: clinical testing. Allele origin: germline.
Comment: This variant is classified as likely benign based on ACMG/AMP sequence variant interpretation guidelines (Richards et al. 2015 PMID: 25741868, with internal and published modifications).

NM_000701.8(ATP1A1):c.1896C>T (p.Gly632=)

Genes: ATP1A1 (ATPase Na+/K+ transporting subunit alpha 1; plus strand), ATP1A1-AS1 (ATP1A1 antisense RNA 1; minus strand). Cytogenetic location: 1p13.1.
Variant type: single nucleotide variant.
Coding change: c.1896C>T on transcript NM_000701.8 (MANE Select); coding-DNA position 1896, C replaced by T.
Protein change: p.Gly632=; no amino-acid change (glycine 632 retained).
Molecular consequence: synonymous variant.
Genome position (GRCh38, 1-based): chr1:116,396,657, C>T. VCF-style: chr1-116396657-C-T. GRCh37 (hg19) VCF-style: chr1-116939279-C-T.
Other names: c.1896C>T, p.Gly632= (NM_001160233.2); c.1803C>T, p.Gly601= (NM_001160234.2).
Identifiers: ClinVar variation 3345644 (VCV003345644.1).
Genomic context (GRCh38, chr1:116,396,657, plus strand): 5'-GGTCATCATGGTCACAGGAGACCATCCAATCACAGCTAAAGCTATTGCCAAAGGTGTGGG[C>T]ATCATCTCAGAAGGCAATGAGACCGTGGAAGACATTGCTGCCCGCCTCAACATCCCAGTC-3'
Protein context (NP_000692.2, residues 622-642): ITAKAIAKGV[Gly632=]IISEGNETVE